The following is an entry in ClinVar:

ClinVar aggregate classification (germline): Uncertain significance (1 of 4 stars; one submission).

Conditions:
Biotinidase deficiency. Also called: BTD deficiency; Late-onset biotin-responsive multiple carboxylase deficiency; Biotin deficiency. Identifiers: Orphanet 79241, MedGen C0220754, MONDO:0009665, OMIM 253260.

Allele frequency attached by ClinVar (database versions not stated): ExAC 0.00001.

Submission:

Labcorp Genetics (formerly Invitae), Labcorp
Classification: Uncertain significance for Biotinidase deficiency. Last evaluated: 2022-07-14. Review status: criteria provided, single submitter. Criteria: Invitae Variant Classification Sherloc (09022015). Collection method: clinical testing. Allele origin: germline.
Comment: This sequence change replaces valine, which is neutral and non-polar, with alanine, which is neutral and non-polar, at codon 342 of the BTD protein (p.Val342Ala). This variant is present in population databases (rs766139591, gnomAD 0.006%). This variant has not been reported in the literature in individuals affected with BTD-related conditions. Algorithms developed to predict the effect of missense changes on protein structure and function output the following: SIFT: "Tolerated"; PolyPhen-2: "Benign"; Align-GVGD: "Class C0". The alanine amino acid residue is found in multiple mammalian species, which suggests that this missense change does not adversely affect protein function. In summary, the available evidence is currently insufficient to determine the role of this variant in disease. Therefore, it has been classified as a Variant of Uncertain Significance.

NM_001370658.1(BTD):c.965T>C (p.Val322Ala)

Gene: BTD (biotinidase; plus strand). Cytogenetic location: 3p25.1.
Variant type: single nucleotide variant.
Coding change: c.965T>C on transcript NM_001370658.1 (MANE Select); coding-DNA position 965, T replaced by C.
Protein change: p.Val322Ala; replaces valine 322 with alanine.
Molecular consequence: missense variant. On other transcripts: intron variant (1).
Genome position (GRCh38, 1-based): chr3:15,644,881, T>C. VCF-style: chr3-15644881-T-C. GRCh37 (hg19) VCF-style: chr3-15686388-T-C.
Other names: c.1025T>C, p.Val342Ala (NM_000060.4); c.965T>C, p.Val322Ala (NM_001281723.4, NM_001281724.3, NM_001281725.3 and 18 more transcripts); c.399+2824T>C (NM_001370753.1); short protein forms V322A, V342A.
Identifiers: ClinVar variation 1942484 (VCV001942484.2), dbSNP rs766139591, ClinGen allele CA2277407.
Genomic context (GRCh38, chr3:15,644,881, plus strand): 5'-ACCATGACATGGAAAATCCCAAAAGTCACCTTATAATTGCCCAGGTGGCCAAAAATCCAG[T>C]GGGTCTCATTGGTGCAGAGAATGCAACAGGTGAAACGGACCCATCCCATAGTAAGTTTTT-3'
Protein context (NP_001357587.1, residues 312-332): LIIAQVAKNP[Val322Ala]GLIGAENATG